The following is an entry in ClinVar:

NM_000297.4(PKD2):c.1838A>C (p.Gln613Pro)

Gene: PKD2 (polycystin 2, transient receptor potential cation channel; plus strand). Cytogenetic location: 4q22.1.
Variant type: single nucleotide variant.
Coding change: c.1838A>C on transcript NM_000297.4 (MANE Select); coding-DNA position 1838, A replaced by C.
Protein change: p.Gln613Pro; replaces glutamine 613 with proline.
Molecular consequence: missense variant. On other transcripts: non-coding transcript variant (1).
Genome position (GRCh38, 1-based): chr4:88,056,207, A>C. VCF-style: chr4-88056207-A-C. GRCh37 (hg19) VCF-style: chr4-88977359-A-C.
Other names: c.1613A>C, p.Gln538Pro (NM_001440544.1); short protein forms Q538P, Q613P.
Identifiers: ClinVar variation 4879724 (VCV004879724.1).
Genomic context (GRCh38, chr4:88,056,207, plus strand): 5'-GTGCCAAAGACCTGTTTGGCTTTGCTATTATGTTCTTCATTATTTTCCTAGCGTATGCTC[A>C]GTTGGCATACCTTGTCTTTGGCACTCAGGTCGATGACTTCAGTACTTTCCAAGAGTGTAT-3'
Protein context (NP_000288.1, residues 603-623): MFFIIFLAYA[Gln613Pro]LAYLVFGTQV

ClinVar aggregate classification (germline): Uncertain significance (1 of 4 stars; one submission).

Conditions:
Polycystic kidney disease 2 (PKD2). Also called: Polycystic Kidney Disease 2, Autosomal Dominant; POLYCYSTIC KIDNEY DISEASE, ADULT, TYPE II; POLYCYSTIC KIDNEY DISEASE 2 WITH OR WITHOUT POLYCYSTIC LIVER DISEASE. Identifiers: MedGen C2751306, MONDO:0013131, OMIM 613095.

Submission:

Victorian Clinical Genetics Services, Murdoch Childrens Research Institute
Classification: Uncertain significance for Polycystic kidney disease 2. Last evaluated: 2026-06-04. Review status: criteria provided, single submitter. Criteria: ACMG Guidelines, 2015. Collection method: clinical testing. Allele origin: germline. Affected: yes.
Comment: This variant is classified as VUS-3A. Evidence in support of pathogenic classification: Variant is absent from gnomAD (v2, v3 and v4); Missense variant predicted to be damaging by in silico tool(s) or highly conserved with a major amino acid change. Additional information: Variant is predicted to result in a missense amino acid change from Gln to Pro; This variant is heterozygous; This gene is associated with autosomal dominant disease; This variant has no previous evidence of pathogenicity; No published evidence of segregation with disease has been identified for this variant; No published functional evidence has been identified for this variant; No comparable missense variants have previous evidence for pathogenicity; Variant is located in the annotated polycystin cation channel domain (DECIPHER); Loss of function is a known mechanism of disease in this gene and is associated with polycystic kidney disease 2 (MIM#613095); Inheritance information for this variant is not currently available in this individual.